The following is an entry in ClinVar:

ClinVar aggregate classification (germline): Likely benign (1 of 4 stars; one submission).

Conditions:
Qualitative or quantitative defects of beta-sarcoglycan. Identifiers: Orphanet 207063, MedGen C2930900, MONDO:0016142.

Allele frequency attached by ClinVar (database versions not stated): 1000 Genomes Project 0.00359; gnomAD 0.00637 and 0.00686; TOPMed 0.00648.

Submission:

Illumina Laboratory Services, Illumina
Classification: Likely benign for Qualitative or quantitative defects of beta-sarcoglycan. Last evaluated: 2018-01-13. Review status: criteria provided, single submitter. Criteria: ICSL Variant Classification Criteria 13 December 2019. Collection method: clinical testing. Allele origin: germline.
Comment: This variant was observed in the ICSL laboratory as part of a predisposition screen in an ostensibly healthy population. It had not been previously curated by ICSL or reported in the Human Gene Mutation Database (HGMD: prior to June 1st, 2018), and was therefore a candidate for classification through an automated scoring system. Utilizing variant allele frequency, disease prevalence and penetrance estimates, and inheritance mode, an automated score was calculated to assess if this variant is too frequent to cause the disease. Based on the score and internal cut-off values, a variant classified as likely benign is not then subjected to further curation. The score for this variant resulted in a classification of likely benign for this disease.

NM_000232.5(SGCB):c.*2286T>A

Gene: SGCB (sarcoglycan beta; minus strand). Cytogenetic location: 4q12.
Variant type: single nucleotide variant.
Coding change: c.*2286T>A on transcript NM_000232.5 (MANE Select); 2286 bases downstream of the stop codon, T replaced by A.
Molecular consequence: 3 prime UTR variant.
Genome position (GRCh38, 1-based): chr4:52,021,671, A>T on the plus strand (T>A on the coding strand, the complement: SGCB is on the minus strand). VCF-style: chr4-52021671-A-T. GRCh37 (hg19) VCF-style: chr4-52887837-A-T.
Identifiers: ClinVar variation 348857 (VCV000348857.6), dbSNP rs116538326, ClinGen allele CA10618765.